The following is an entry in ClinVar:

NM_022773.4(LMF1):c.1565G>T (p.Ser522Ile)

Gene: LMF1 (lipase maturation factor 1; minus strand). Cytogenetic location: 16p13.3.
Variant type: single nucleotide variant.
Coding change: c.1565G>T on transcript NM_022773.4 (MANE Select); coding-DNA position 1565, G replaced by T.
Protein change: p.Ser522Ile; replaces serine 522 with isoleucine.
Molecular consequence: missense variant. On other transcripts: non-coding transcript variant (1).
Genome position (GRCh38, 1-based): chr16:854,671, C>A on the plus strand (G>T on the coding strand, the complement: LMF1 is on the minus strand). VCF-style: chr16-854671-C-A. GRCh37 (hg19) VCF-style: chr16-904671-C-A.
Other names: c.914G>T, p.Ser305Ile (NM_001352017.2, NM_001352021.2); c.1166G>T, p.Ser389Ile (NM_001352018.2); c.1238G>T, p.Ser413Ile (NM_001352019.2); c.1485G>T, p.Gln495His (NM_001352020.1); short protein forms Q495H, S305I, S389I, S413I, S522I.
Identifiers: ClinVar variation 1675592 (VCV001675592.34), dbSNP rs2151673189, ClinGen allele CA394114914.

ClinVar aggregate classification (germline): Uncertain significance. Review status: criteria provided, multiple submitters, no conflicts (2 of 4 stars). 2 submissions from 2 submitters: Uncertain significance (2). Last evaluated 2026-02-01.

Submissions (2):

CeGaT Center for Human Genetics Tuebingen
Classification: Uncertain significance. Last evaluated: 2026-02-01. Review status: criteria provided, single submitter. Criteria: CeGaT Center For Human Genetics Tuebingen Variant Classification Criteria Version 2. Collection method: clinical testing. Allele origin: germline. Affected: yes. Observed: 1 variant allele.
Comment: LMF1: PM2, PM3:Supporting

Blueprint Genetics
Classification: Uncertain significance. Last evaluated: 2024-05-08. Review status: criteria provided, single submitter. Criteria: ACMG Guidelines, 2015. Collection method: clinical testing. Allele origin: germline.